The following is an entry in ClinVar:

ClinVar aggregate classification (germline): Pathogenic (1 of 4 stars; one submission).

Conditions:
Neurofibromatosis, type 1 (NF1). Also called: Neurofibromatosis, type I; NEUROFIBROMATOSIS, TYPE I, SOMATIC; Peripheral type neurofibromatosis; VON RECKLINGHAUSEN DISEASE. Identifiers: Orphanet 636, MedGen C0027831, MONDO:0018975, OMIM 162200. Disease mechanism: loss of function.

Submission:

Labcorp Genetics (formerly Invitae), Labcorp
Classification: Pathogenic for Neurofibromatosis, type 1. Last evaluated: 2023-11-13. Review status: criteria provided, single submitter. Criteria: Invitae Variant Classification Sherloc (09022015). Collection method: clinical testing. Allele origin: germline.
Comment: This sequence change inserts a large fragment of DNA, likely a transposable element, in exon 23 of the NF1 gene (c.3047_3048ins?), causing a frameshift at codon 1016 (p.Cys1016fs). The exact size and sequence of the insertion cannot be determined by the current assay. However, the insertion is expected to result in an absent or disrupted protein product. This variant has not been reported in the literature in individuals affected with NF1-related conditions. Retrotransposon insertions including LINE1 (L1), Alu, and SVA (SINE-VNTR-Alu) have been reported to be disease-causing through disruption of either a coding region or splice site (PMID: 19763152, 20307669, 22406018) and loss-of-function variants in NF1 are known to be pathogenic (PMID: 10712197, 23913538). For these reasons, this variant has been classified as Pathogenic.

Literature cited by the submitters: PubMed 19763152; PubMed 20307669; PubMed 22406018; PubMed 10712197; PubMed 23913538.

NM_001042492.3(NF1):c.3047_3048insGCTCTCCCTCTCCCTCTCCCTCTCCCTCTCCCTCTCCCTCCCCCTCCCTCTCCCTCTCCCTCTCCCTCTACCTCCACGGTCTCCCTCTGATGCCGAGCCANNNNNNNNNNAGAAACACCCAAGAATGATCAATAAAAAAAAAATAAATTAATTAAAAAAAAAAAAAAAAAAAAAAAAAACGAAACTGTG (p.Cys1016delinsTrpLeuSerLeuSerLeuSerLeuSerLeuSerLeuSerLeuProLeuProLeuProLeuProLeuProLeuProProArgSerProSerAspAlaGluProXaaXaaXaaXaaLysHisProArgMetIleAsnLysLysLysIleAsnTer)

Gene: NF1 (neurofibromin 1; plus strand). Cytogenetic location: 17q11.2.
Variant type: Microsatellite.
Coding change: c.3047_3048insGCTCTCCCTCTCCCTCTCCCTCTCCCTCTCCCTCTCCCTCCCCCTCCCTCTCCCTCTCCCTCTCCCTCTACCTCCACGGTCTCCCTCTGATGCCGAGCCANNNNNNNNNNAGAAACACCCAAGAATGATCAATAAAAAAAAAATAAATTAATTAAAAAAAAAAAAAAAAAAAAAAAAAACGAAACTGTG on transcript NM_001042492.3 (MANE Select); coding-DNA positions 3047 to 3048, GCTCTCCCTCTCCCTCTCCCTCTCCCTCTCCCTCTCCCTCCCCCTCCCTCTCCCTCTCCCTCTCCCTCTACCTCCACGGTCTCCCTCTGATGCCGAGCCANNNNNNNNNNAGAAACACCCAAGAATGATCAATAAAAAAAAAATAAATTAATTAAAAAAAAAAAAAAAAAAAAAAAAAACGAAACTGTG inserted.
Protein change: p.Cys1016delinsTrpLeuSerLeuSerLeuSerLeuSerLeuSerLeuSerLeuProLeuProLeuProLeuProLeuProLeuProProArgSerProSerAspAlaGluProXaaXaaXaaXaaLysHisProArgMetIleAsnLysLysLysIleAsnTer.
Molecular consequence: nonsense. On other transcripts: frameshift variant (1).
Genome position: GRCh38: chr17:31,230,302-31,230,316. GRCh37 (hg19): chr17:29,557,320-29,557,334.
Other names: c.3033_3047A[5][1], p.Thr1013Ilefs (NM_000267.4).
Identifiers: ClinVar variation 2916046 (VCV002916046.3).